The following is an entry in ClinVar:

ClinVar aggregate classification (germline): Pathogenic. Review status: criteria provided, multiple submitters, no conflicts (2 of 4 stars). 3 submissions from 3 submitters: Pathogenic (2). 1 of the submissions does not count toward it. Last evaluated 2025-10-05.

Conditions:
Neutropenia, severe congenital, 1, autosomal dominant. Identifiers: MedGen C1859966, MONDO:0042490, OMIM 202700.
Cyclical neutropenia. Also called: Cyclic hematopoiesis; Cyclic Neutropenia. Identifiers: Orphanet 2686, MedGen C0221023, MONDO:0008090, OMIM 162800, HP:0040289. Disease mechanism: loss of function.

Submissions (3):

Labcorp Genetics (formerly Invitae), Labcorp
Classification: Pathogenic for Neutropenia, severe congenital, 1, autosomal dominant; Cyclical neutropenia. Last evaluated: 2025-10-05. Review status: criteria provided, single submitter. Criteria: Invitae Variant Classification Sherloc (09022015). Collection method: clinical testing. Allele origin: germline.
Comment: This sequence change falls in intron 4 of the ELANE gene. It does not directly change the encoded amino acid sequence of the ELANE protein. It affects a nucleotide within the consensus splice site. This variant is not present in population databases (gnomAD no frequency). This variant has been observed in individuals with cyclic neutropenia (PMID: 21425445, 34340247; internal data). ClinVar contains an entry for this variant (Variation ID: 245599). Variants that disrupt the consensus splice site are a relatively common cause of aberrant splicing (PMID: 17576681, 9536098). Algorithms developed to predict the effect of sequence changes on RNA splicing suggest that this variant may disrupt the consensus splice site. This variant disrupts the c.597+1G nucleotide in the ELANE gene. Other variant(s) that disrupt this nucleotide have been determined to be pathogenic (PMID: 10581030, 23463630, 24616599). This suggests that this nucleotide is clinically significant, and that variants that disrupt this position are likely to be disease-causing. For these reasons, this variant has been classified as Pathogenic.

GeneDx
Classification: Pathogenic. Last evaluated: 2025-06-17. Review status: criteria provided, single submitter. Criteria: GeneDx Variant Classification Process June 2021. Collection method: clinical testing. Allele origin: germline. Affected: yes.
Comment: Not observed at significant frequency in large population cohorts (gnomAD); Canonical splice site variant with an unclear effect on protein function; This variant is associated with the following publications: (PMID: 25525159, 21425445, 35899327, 34340247, 38103590, 11001877, 10581030)

Laboratory of Immunopathology and Genetics, Medical Laboratory of Pediatric Oncology and Hematology, Central Clinical Hospital of the Medical University of Lodz
Classification: Pathogenic for Neutropenia, severe congenital, 1, autosomal dominant. Last evaluated: 2024-12-01. Review status: no assertion criteria provided. Collection method: clinical testing. Allele origin: germline. Affected: yes. Observed: 5 variant alleles. Not counted in ClinVar's aggregate classification.

Literature cited by the submitters: PubMed 21425445 (cited by Labcorp Genetics (formerly Invitae), Labcorp); PubMed 34340247 (cited by Labcorp Genetics (formerly Invitae), Labcorp); PubMed 17576681 (cited by Labcorp Genetics (formerly Invitae), Labcorp); PubMed 9536098 (cited by Labcorp Genetics (formerly Invitae), Labcorp); PubMed 10581030 (cited by Labcorp Genetics (formerly Invitae), Labcorp and Laboratory of Immunopathology and Genetics, Medical Laboratory of Pediatric Oncology and Hematology, Central Clinical Hospital of the Medical University of Lodz); PubMed 23463630 (cited by Labcorp Genetics (formerly Invitae), Labcorp); PubMed 24616599 (cited by Labcorp Genetics (formerly Invitae), Labcorp).

NM_001972.4(ELANE):c.597+1G>C

Gene: ELANE (elastase, neutrophil expressed; plus strand). Cytogenetic location: 19p13.3.
Variant type: single nucleotide variant.
Coding change: c.597+1G>C on transcript NM_001972.4 (MANE Select); the canonical splice donor site of the intron after coding-DNA position 597, G replaced by C.
Molecular consequence: splice donor variant.
Genome position (GRCh38, 1-based): chr19:855,795, G>C. VCF-style: chr19-855795-G-C. GRCh37 (hg19) VCF-style: chr19-855795-G-C.
Identifiers: ClinVar variation 245599 (VCV000245599.9), dbSNP rs1555710005, ClinGen allele CA10584620.